The following is an entry in ClinVar:

ClinVar aggregate classification (germline): Pathogenic. Review status: criteria provided, multiple submitters, no conflicts (2 of 4 stars). 5 submissions from 5 submitters: Pathogenic (5). Last evaluated 2023-09-07.

Conditions:
Hereditary cancer-predisposing syndrome. Also called: Neoplastic Syndromes, Hereditary; Hereditary Cancer Syndrome; Hereditary neoplastic syndrome; Tumor predisposition. Identifiers: Orphanet 140162, MedGen C0027672, MeSH D009386, MONDO:0015356.
Familial cancer of breast. Also called: BREAST CANCER, FAMILIAL; Hereditary breast cancer; hereditary breast carcinoma. Identifiers: Orphanet 227535, MedGen C0346153, MONDO:0016419, OMIM 114480. Disease mechanism: loss of function.

Submissions (5):

Myriad Genetics, Inc.
Classification: Pathogenic for Familial cancer of breast. Last evaluated: 2023-09-07. Review status: criteria provided, single submitter. Criteria: Myriad Autosomal Dominant, Autosomal Recessive and X-Linked Classification Criteria (2023). Collection method: clinical testing. Allele origin: unknown.
Comment: This variant is considered pathogenic. This variant creates a frameshift predicted to result in premature protein truncation.

Institute for Clinical Genetics, University Hospital TU Dresden, University Hospital TU Dresden
Classification: Pathogenic. Last evaluated: 2021-11-03. Review status: criteria provided, single submitter. Criteria: ACMG Guidelines, 2015. Collection method: clinical testing. Allele origin: germline.

Institute of Medical Genetics and Applied Genomics, University Hospital Tübingen
Classification: Pathogenic. Last evaluated: 2020-10-23. Review status: criteria provided, single submitter. Criteria: ACMG Guidelines, 2015. Collection method: clinical testing. Allele origin: germline. Inheritance: Unknown mechanism. Affected: yes.

Ambry Genetics
Classification: Pathogenic for Hereditary cancer-predisposing syndrome. Last evaluated: 2020-01-07. Review status: criteria provided, single submitter. Criteria: Ambry Variant Classification Scheme 2023. Collection method: clinical testing. Allele origin: germline.
Comment: The c.1046delA pathogenic mutation, located in coding exon 4 of the PALB2 gene, results from a deletion of one nucleotide at nucleotide position 1046, causing a translational frameshift with a predicted alternate stop codon (p.N349Ifs*7). This alteration has been reported in a individual with a personal and family history of breast cancer (Kraus C et al. Int. J. Cancer, 2017 Jan;140:95-102). In addition to the clinical data presented in the literature, this alteration is expected to result in loss of function by premature protein truncation or nonsense-mediated mRNA decay. As such, this alteration is interpreted as a disease-causing mutation.

Labcorp Genetics (formerly Invitae), Labcorp
Classification: Pathogenic for Familial cancer of breast. Last evaluated: 2017-03-08. Review status: criteria provided, single submitter. Criteria: Invitae Variant Classification Sherloc (09022015). Collection method: clinical testing. Allele origin: germline.
Comment: For these reasons, this variant has been classified as Pathogenic. This sequence change deletes 1 nucleotide from exon 4 of the PALB2 mRNA (c.1046delA), causing a frameshift at codon 349. This creates a premature translational stop signal (p.Asn349Ilefs*7) and is expected to result in an absent or disrupted protein product. Loss-of-function variants in PALB2 are known to be pathogenic. This particular variant has been reported in the literature in an individual affected with breast cancer (PMID: 27616075).

Literature cited by the submitters: PubMed 27616075 (cited by Ambry Genetics and Labcorp Genetics (formerly Invitae), Labcorp).

NM_024675.4(PALB2):c.1046del (p.Asn349fs)

Gene: PALB2 (partner and localizer of BRCA2; minus strand). Cytogenetic location: 16p12.2.
Variant type: Deletion.
Coding change: c.1046del on transcript NM_024675.4 (MANE Select); coding-DNA position 1046, one base deleted (A; older notation c.1046delA).
Protein change: p.Asn349fs; shifts the reading frame from asparagine 349.
Molecular consequence: frameshift variant.
Genome position (GRCh38, 1-based): chr16:23,635,500, T deleted on the plus strand (A on the coding strand, the reverse complement: PALB2 is on the minus strand); the first of 4 consecutive T bases (chr16:23,635,500-23,635,503); deleting any one gives the same sequence. VCF-style (leftmost placement, unchanged base first): chr16-23635499-AT-A. GRCh37 (hg19) VCF-style: chr16-23646820-AT-A.
Other names: c.1046delA (NM_024675.3); short protein forms N349fs.
Identifiers: ClinVar variation 460871 (VCV000460871.19), dbSNP rs1555461484, ClinGen allele CA658658433.